The following is an entry in ClinVar:

ClinVar aggregate classification (germline): Uncertain significance (1 of 4 stars; one submission).

Submission:

Labcorp Genetics (formerly Invitae), Labcorp
Classification: Uncertain significance. Last evaluated: 2023-05-05. Review status: criteria provided, single submitter. Criteria: Invitae Variant Classification Sherloc (09022015). Collection method: clinical testing. Allele origin: germline.
Comment: In summary, the available evidence is currently insufficient to determine the role of this variant in disease. Therefore, it has been classified as a Variant of Uncertain Significance. An algorithm developed to predict the effect of missense changes on protein structure and function (PolyPhen-2) suggests that this variant is likely to be tolerated. This variant has not been reported in the literature in individuals affected with GINS1-related conditions. This variant is not present in population databases (gnomAD no frequency). This sequence change replaces arginine, which is basic and polar, with serine, which is neutral and polar, at codon 15 of the GINS1 protein (p.Arg15Ser).

NM_021067.5(GINS1):c.43C>A (p.Arg15Ser)

Genes: GINS1 (GINS complex subunit 1; plus strand), LOC130065587 (ATAC-STARR-seq lymphoblastoid active region 17669; plus strand). Cytogenetic location: 20p11.21.
Variant type: single nucleotide variant.
Coding change: c.43C>A on transcript NM_021067.5 (MANE Select); coding-DNA position 43, C replaced by A.
Protein change: p.Arg15Ser; replaces arginine 15 with serine.
Molecular consequence: missense variant. On other transcripts: non-coding transcript variant (1).
Genome position (GRCh38, 1-based): chr20:25,407,863, C>A. VCF-style: chr20-25407863-C-A. GRCh37 (hg19) VCF-style: chr20-25388499-C-A.
Other names: c.43C>A, p.Arg15Ser (NM_001410830.1, NM_001410831.1); short protein forms R15S.
Identifiers: ClinVar variation 2862132 (VCV002862132.3), dbSNP rs778068914, ClinGen allele CA408446313.
Genomic context (GRCh38, chr20:25,407,863, plus strand): 5'-GAGTGGGAAGCGTCCGCCATGTTCTGCGAAAAAGCCATGGAACTGATCCGCGAGCTGCAT[C>A]GCGCGCCCGAAGGGCAACTGCCTGCCTTCAACGTGAGGGGCGGGTAGACTTGGACGGGGC-3'
Protein context (NP_066545.3, residues 5-25): KAMELIRELH[Arg15Ser]APEGQLPAFN